The following is an entry in ClinVar:

ClinVar aggregate classification (germline): Benign. Review status: criteria provided, multiple submitters, no conflicts (2 of 4 stars). 2 submissions from 2 submitters: Benign (2). Last evaluated 2018-01-13.

Conditions:
Hypercholanemia, familial 1 (FHCA1). Identifiers: Orphanet 238475, MedGen C5542604, MONDO:0031446, OMIM 607748.

Allele frequency attached by ClinVar (database versions not stated): gnomAD 0.01114 and 0.01162; TOPMed 0.01169; 1000 Genomes Project 0.01597; 1000 Genomes Project 30x 0.01655.

Submissions (2):

Illumina Laboratory Services, Illumina
Classification: Benign for Hypercholanemia, familial 1. Last evaluated: 2018-01-13. Review status: criteria provided, single submitter. Criteria: ICSL Variant Classification Criteria 13 December 2019. Collection method: clinical testing. Allele origin: germline.
Comment: This variant was observed in the ICSL laboratory as part of a predisposition screen in an ostensibly healthy population. It had not been previously curated by ICSL or reported in the Human Gene Mutation Database (HGMD: prior to June 1st, 2018), and was therefore a candidate for classification through an automated scoring system. Utilizing variant allele frequency, disease prevalence and penetrance estimates, and inheritance mode, an automated score was calculated to assess if this variant is too frequent to cause the disease. Based on the score and internal cut-off values, a variant classified as benign is not then subjected to further curation. The score for this variant resulted in a classification of benign for this disease.

Breakthrough Genomics
Classification: Benign. Review status: criteria provided, single submitter. Criteria: ACMG Guidelines, 2015. Collection method: not provided. Allele origin: germline. Inheritance: Autosomal recessive inheritance. Affected: yes.

NM_001701.4(BAAT):c.*1029A>T

Gene: BAAT (bile acid-CoA:amino acid N-acyltransferase; minus strand). Cytogenetic location: 9q31.1.
Variant type: single nucleotide variant.
Coding change: c.*1029A>T on transcript NM_001701.4 (MANE Select); 1029 bases downstream of the stop codon, A replaced by T.
Molecular consequence: 3 prime UTR variant.
Genome position (GRCh38, 1-based): chr9:101,361,399, T>A on the plus strand (A>T on the coding strand, the complement: BAAT is on the minus strand). VCF-style: chr9-101361399-T-A. GRCh37 (hg19) VCF-style: chr9-104123681-T-A.
Other names: c.*1029A>T (NM_001127610.2, NM_001374715.1).
Identifiers: ClinVar variation 364265 (VCV000364265.6), dbSNP rs74606977, ClinGen allele CA10631842.